The following is an entry in ClinVar:

ClinVar aggregate classification (germline): Conflicting classifications of pathogenicity. Review status: criteria provided, conflicting classifications (1 of 4 stars). 5 submissions from 5 submitters: Uncertain significance (2); Likely benign (2). 1 of the submissions does not count toward it. Last evaluated 2026-02-02.

Conditions:
INVS-related disorder. Also called: INVS-related condition.
Nephronophthisis. Also called: Juvenile Nephronophthisis. Identifiers: Orphanet 655, MedGen C0687120, MONDO:0019005, HP:0000090.

Allele frequency attached by ClinVar (database versions not stated): gnomAD exomes 0.00003 and 0.00006; ExAC 0.00010; ESP Exome Variant Server 0.00015; 1000 Genomes Project 30x 0.00016; 1000 Genomes Project 0.00020; gnomAD 0.00021 and 0.00022; TOPMed 0.00023.
gnomAD v4.1: 86 of 1,613,060 alleles (0.0053%); highest among the groups gnomAD compares: African/African-American, 0.092%; 2 homozygotes.

Submissions (5):

Labcorp Genetics (formerly Invitae), Labcorp
Classification: Likely benign for Nephronophthisis. Last evaluated: 2026-02-02. Review status: criteria provided, single submitter. Criteria: Invitae Variant Classification Sherloc (09022015). Collection method: clinical testing. Allele origin: germline.

GeneDx
Classification: Uncertain significance. Last evaluated: 2024-04-04. Review status: criteria provided, single submitter. Criteria: GeneDx Variant Classification Process June 2021. Collection method: clinical testing. Allele origin: germline. Affected: yes.
Comment: In silico analysis supports that this variant does not alter splicing; Has not been previously published as pathogenic or benign to our knowledge

Blueprint Genetics
Classification: Likely benign. Last evaluated: 2022-08-13. Review status: criteria provided, single submitter. Criteria: ACMG Guidelines, 2015. Collection method: clinical testing. Allele origin: germline.

Eurofins Ntd Llc (ga)
Classification: Uncertain significance. Last evaluated: 2014-12-08. Review status: criteria provided, single submitter. Criteria: EGL Classification Definitions 2015. Collection method: clinical testing. Allele origin: germline. Observed: 2 variant alleles, 2 heterozygotes.

PreventionGenetics, part of Exact Sciences
Classification: Likely benign for INVS-related condition. Last evaluated: 2021-12-09. Review status: no assertion criteria provided. Collection method: clinical testing. Allele origin: germline. Not counted in ClinVar's aggregate classification.
Comment: This variant is classified as likely benign based on ACMG/AMP sequence variant interpretation guidelines (Richards et al. 2015 PMID: 25741868, with internal and published modifications).

NM_014425.5(INVS):c.114T>C (p.Ser38=)

Gene: INVS (inversin; plus strand). Cytogenetic location: 9q31.1.
Variant type: single nucleotide variant.
Coding change: c.114T>C on transcript NM_014425.5 (MANE Select); coding-DNA position 114, T replaced by C.
Protein change: p.Ser38=; no amino-acid change (serine 38 retained).
Molecular consequence: synonymous variant. On other transcripts: 5 prime UTR variant (2), non-coding transcript variant (1).
Genome position (GRCh38, 1-based): chr9:100,126,390, T>C. VCF-style: chr9-100126390-T-C. GRCh37 (hg19) VCF-style: chr9-102888672-T-C.
Other names: c.-263T>C (NM_001318381.2); c.-876T>C (NM_001318382.2); c.114T>C (NM_014425.4).
Identifiers: ClinVar variation 196466 (VCV000196466.19), dbSNP rs114056499, ClinGen allele CA243424.
Genomic context (GRCh38, chr9:100,126,390, plus strand): 5'-TATATTAGTAATAACAATTATCAAATATCACTATCTGTTTCTTATCCTTATAGGAAACTC[T>C]GCTCTTAAAGACAAAGAAGATCAGTTTGGGAGAACACCACTTATGTATTGCGTGTTGGCT-3'
Protein context (NP_055240.2, residues 28-48): GALQRLIVGN[Ser38=]ALKDKEDQFG